The following is an entry in ClinVar:

ClinVar aggregate classification (germline): Benign/Likely benign. Review status: criteria provided, multiple submitters, no conflicts (2 of 4 stars). 9 submissions from 9 submitters: Benign (5); Likely benign (1). 3 of the submissions do not count toward it. Last evaluated 2025-12-29.

Conditions:
MYH6-related disorder. Also called: MYH6-Related Disorders; MYH6-related condition.
Cardiovascular phenotype. Identifiers: MedGen CN230736.
Cardiomyopathy (CMYO). Also called: Cardiomyopathies. Identifiers: Orphanet 167848, MedGen C0878544, MONDO:0004994, HP:0001638. Inheritance: Various modes of inheritance.
Hypertrophic cardiomyopathy 14. Identifiers: MedGen C2750467, MONDO:0013197, OMIM 613251.

Allele frequency attached by ClinVar (database versions not stated): gnomAD 0.00002 and 0.00039; TOPMed 0.00008; gnomAD exomes 0.00077 and 0.00159; 1000 Genomes Project 0.00160; ExAC 0.00176; 1000 Genomes Project 30x 0.00265.
gnomAD v4.1: 1,193 of 1,613,738 alleles (0.074%); highest among the groups gnomAD compares: South Asian, 1.2%; 16 homozygotes.

Submissions (9):

Labcorp Genetics (formerly Invitae), Labcorp
Classification: Benign for Hypertrophic cardiomyopathy 14. Last evaluated: 2025-12-29. Review status: criteria provided, single submitter. Criteria: Invitae Variant Classification Sherloc (09022015). Collection method: clinical testing. Allele origin: germline.

ARUP Laboratories, Molecular Genetics and Genomics, ARUP Laboratories
Classification: Benign. Last evaluated: 2025-06-02. Review status: criteria provided, single submitter. Criteria: ARUP Molecular Germline Variant Investigation Process 2024. Collection method: clinical testing. Allele origin: germline.

GeneDx
Classification: Benign. Last evaluated: 2018-08-08. Review status: criteria provided, single submitter. Criteria: GeneDx Variant Classification Process June 2021. Collection method: clinical testing. Allele origin: germline. Affected: yes.

CHEO Genetics Diagnostic Laboratory, Children's Hospital of Eastern Ontario
Classification: Benign for Cardiomyopathy. Last evaluated: 2018-03-12. Review status: criteria provided, single submitter. Criteria: ACMG Guidelines, 2015. Collection method: clinical testing. Allele origin: germline.

Ambry Genetics
Classification: Benign for Cardiovascular phenotype. Last evaluated: 2016-07-07. Review status: criteria provided, single submitter. Criteria: Ambry Variant Classification Scheme 2023. Collection method: clinical testing. Allele origin: germline.

Laboratory for Molecular Medicine, Mass General Brigham Personalized Medicine
Classification: Likely benign. Last evaluated: 2012-11-28. Review status: criteria provided, single submitter. Criteria: LMM Criteria. Collection method: clinical testing. Allele origin: germline. Observed: 6 variant alleles.
Comment: p.Gln1813Gln in exon 36 of MYH6: This variant is not expected to have clinical s ignificance because it does not alter an amino acid residue and is not located w ithin the splice consensus sequence.

PreventionGenetics, part of Exact Sciences
Classification: Benign for MYH6-related condition. Last evaluated: 2019-06-06. Review status: no assertion criteria provided. Collection method: clinical testing. Allele origin: germline. Not counted in ClinVar's aggregate classification.
Comment: This variant is classified as benign based on ACMG/AMP sequence variant interpretation guidelines (Richards et al. 2015 PMID: 25741868, with internal and published modifications).

Clinical Genetics DNA and cytogenetics Diagnostics Lab, Erasmus MC, Erasmus Medical Center
Classification: Likely benign. Review status: no assertion criteria provided. Collection method: clinical testing. Allele origin: germline. Affected: yes. Study: VKGL Data-share Consensus. Not counted in ClinVar's aggregate classification.

Clinical Genetics, Academic Medical Center
Classification: Benign. Review status: no assertion criteria provided. Collection method: clinical testing. Allele origin: germline. Affected: yes. Study: VKGL Data-share Consensus. Not counted in ClinVar's aggregate classification.

NM_002471.4(MYH6):c.5439G>A (p.Gln1813=)

Gene: MYH6 (myosin heavy chain 6; minus strand). Cytogenetic location: 14q11.2.
Variant type: single nucleotide variant.
Coding change: c.5439G>A on transcript NM_002471.4 (MANE Select); coding-DNA position 5439, G replaced by A.
Protein change: p.Gln1813=; no amino-acid change (glutamine 1813 retained).
Molecular consequence: synonymous variant.
Genome position (GRCh38, 1-based): chr14:23,384,568, C>T on the plus strand (G>A on the coding strand, the complement: MYH6 is on the minus strand). VCF-style: chr14-23384568-C-T. GRCh37 (hg19) VCF-style: chr14-23853777-C-T.
Identifiers: ClinVar variation 44536 (VCV000044536.25), dbSNP rs200854143, ClinGen allele CA134475.